The following is an entry in ClinVar:

NM_018668.5(VPS33B):c.350del (p.Pro117fs)

Gene: VPS33B (VPS33B late endosome and lysosome associated; minus strand). Cytogenetic location: 15q26.1.
Variant type: Deletion.
Coding change: c.350del on transcript NM_018668.5 (MANE Select); coding-DNA position 350, one base deleted (C; older notation c.350delC).
Protein change: p.Pro117fs; shifts the reading frame from proline 117.
Molecular consequence: frameshift variant.
Genome position (GRCh38, 1-based): chr15:91,013,811, G deleted on the plus strand (C on the coding strand, the reverse complement: VPS33B is on the minus strand); the first of 3 consecutive G bases (chr15:91,013,811-91,013,813); deleting any one gives the same sequence. VCF-style (leftmost placement, unchanged base first): chr15-91013810-AG-A. GRCh37 (hg19) VCF-style: chr15-91557040-AG-A.
Other names: c.269del, p.Pro90fs (NM_001289148.1); c.77del, p.Pro26fs (NM_001289149.1); c.350delC (NM_018668.5); c.350del (NM_018668.3); short protein forms P90fs, P26fs, P117fs.
Identifiers: ClinVar variation 523950 (VCV000523950.5), dbSNP rs1555459968, ClinGen allele CA658798433.

ClinVar aggregate classification (germline): Pathogenic. Review status: criteria provided, multiple submitters, no conflicts (2 of 4 stars). 2 submissions from 2 submitters: Pathogenic (2). Last evaluated 2020-03-23.

Conditions:
Arthrogryposis, renal dysfunction, and cholestasis 1 (ARCS1). Identifiers: Orphanet 2697, MedGen C1859722, MONDO:0008822, OMIM 208085.

Submissions (2):

GeneDx
Classification: Pathogenic. Last evaluated: 2020-03-23. Review status: criteria provided, single submitter. Criteria: GeneDx Variant Classification Process June 2021. Collection method: clinical testing. Allele origin: germline. Affected: yes.
Comment: Frameshift variant predicted to result in protein truncation or nonsense mediated decay in a gene for which loss-of-function is a known mechanism of disease; Not observed in large population cohorts (Lek et al., 2016); This variant is associated with the following publications: (PMID: 15052268)

Baylor-Hopkins Center for Mendelian Genomics, Johns Hopkins University School of Medicine
Classification: Pathogenic for Arthrogryposis, renal dysfunction, and cholestasis 1. Review status: criteria provided, single submitter. Criteria: ACMG Guidelines, 2015. Collection method: research. Allele origin: unknown. Affected: yes. Observed: 1 variant allele, 1 homozygote.